The following is an entry in ClinVar:

NM_032436.4(CHAMP1):c.1918G>A (p.Asp640Asn)

Gene: CHAMP1 (chromosome alignment maintaining phosphoprotein 1; plus strand). Cytogenetic location: 13q34.
Variant type: single nucleotide variant.
Coding change: c.1918G>A on transcript NM_032436.4 (MANE Select); coding-DNA position 1918, G replaced by A.
Protein change: p.Asp640Asn; replaces aspartic acid 640 with asparagine.
Molecular consequence: missense variant.
Genome position (GRCh38, 1-based): chr13:114,325,760, G>A. VCF-style: chr13-114325760-G-A. GRCh37 (hg19) VCF-style: chr13-115091235-G-A.
Other names: c.1918G>A, p.Asp640Asn (NM_001164145.3, NM_001164144.3); short protein forms D640N.
Identifiers: ClinVar variation 5034491 (VCV005034491.1).
Genomic context (GRCh38, chr13:114,325,760, plus strand): 5'-AAGAAAGACAACCAAGAGAGCTCAGACGCTGAGCTTAGTAGTAGTGAGTACATAAAAACA[G>A]ATTTGGATGCGATGGATATTAAGGGCCAGGAATCAAGCAGTGATCAAGAGCAGGTTGATG-3'
Protein context (NP_115812.1, residues 630-650): ELSSSEYIKT[Asp640Asn]LDAMDIKGQE

ClinVar aggregate classification (germline): Uncertain significance (1 of 4 stars; one submission).

Conditions:
Inborn genetic diseases. Identifiers: MedGen C0950123, MeSH D030342.

gnomAD v4.1: 4 of 1,614,028 alleles (0.00025%); highest among the groups gnomAD compares: African/African-American, 0.0027%; no homozygotes.

Submission:

Ambry Genetics
Classification: Uncertain significance for Inborn genetic diseases. Last evaluated: 2026-07-08. Review status: criteria provided, single submitter. Criteria: Ambry Variant Classification Scheme 2023. Collection method: clinical testing. Allele origin: germline.
Comment: The c.1918G>A (p.D640N) alteration is located in exon 3 (coding exon 1) of the CHAMP1 gene. This alteration results from a G to A substitution at nucleotide position 1918, causing the aspartic acid (D) at amino acid position 640 to be replaced by an asparagine (N). Based on data from gnomAD, the A allele has an overall frequency of <0.001% (1/251372) total alleles studied. The highest observed frequency was 0.003% (1/34588) of Latino alleles. Based on insufficient or conflicting evidence, the clinical significance of this alteration remains unclear.